The following is an entry in ClinVar:

ClinVar aggregate classification (germline): Benign. Review status: criteria provided, single submitter (1 of 4 stars). 2 submissions from 2 submitters: Benign (1). 1 of the submissions does not count toward it. Last evaluated 2025-02-24.

Conditions:
RAI1-related disorder. Also called: RAI1-related condition.

Submissions (2):

Labcorp Genetics (formerly Invitae), Labcorp
Classification: Benign. Last evaluated: 2025-02-24. Review status: criteria provided, single submitter. Criteria: Invitae Variant Classification Sherloc (09022015). Collection method: clinical testing. Allele origin: germline.

PreventionGenetics, part of Exact Sciences
Classification: Uncertain significance for RAI1-related condition. Last evaluated: 2024-08-05. Review status: no assertion criteria provided. Collection method: clinical testing. Allele origin: germline. Not counted in ClinVar's aggregate classification.
Comment: The RAI1 c.3346C>T variant is predicted to result in the amino acid substitution p.Pro1116Ser. To our knowledge, this variant has not been reported in the literature or in a large population database, indicating this variant is rare. At this time, the clinical significance of this variant is uncertain due to the absence of conclusive functional and genetic evidence.

NM_030665.4(RAI1):c.3346C>T (p.Pro1116Ser)

Gene: RAI1 (retinoic acid induced 1; plus strand). Cytogenetic location: 17p11.2.
Variant type: single nucleotide variant.
Coding change: c.3346C>T on transcript NM_030665.4 (MANE Select); coding-DNA position 3346, C replaced by T.
Protein change: p.Pro1116Ser; replaces proline 1116 with serine.
Molecular consequence: missense variant.
Genome position (GRCh38, 1-based): chr17:17,796,294, C>T. VCF-style: chr17-17796294-C-T. GRCh37 (hg19) VCF-style: chr17-17699608-C-T.
Other names: c.3346C>T (NM_030665.3); short protein forms P1116S.
Identifiers: ClinVar variation 1482108 (VCV001482108.10), dbSNP rs950397097, ClinGen allele CA288370348.